The following is an entry in ClinVar:

NM_006118.4(HAX1):c.302C>T (p.Pro101Leu)

Gene: HAX1 (HCLS1 associated protein X-1; plus strand). Cytogenetic location: 1q21.3.
Variant type: single nucleotide variant.
Coding change: c.302C>T on transcript NM_006118.4 (MANE Select); coding-DNA position 302, C replaced by T.
Protein change: p.Pro101Leu; replaces proline 101 with leucine.
Molecular consequence: missense variant.
Genome position (GRCh38, 1-based): chr1:154,273,584, C>T. VCF-style: chr1-154273584-C-T. GRCh37 (hg19) VCF-style: chr1-154246060-C-T.
Other names: c.158C>T, p.Pro53Leu (NM_001018837.2); short protein forms P53L, P101L.
Identifiers: ClinVar variation 4269024 (VCV004269024.1).

ClinVar aggregate classification (germline): Uncertain significance (1 of 4 stars; one submission).

Conditions:
Inborn genetic diseases. Identifiers: MedGen C0950123, MeSH D030342.

gnomAD v4.1: 4 of 1,614,162 alleles (0.00025%); highest among the groups gnomAD compares: Non-Finnish European, 0.00034%; no homozygotes.

Submission:

Ambry Genetics
Classification: Uncertain significance for Inborn genetic diseases. Last evaluated: 2025-07-02. Review status: criteria provided, single submitter. Criteria: Ambry Variant Classification Scheme 2023. Collection method: clinical testing. Allele origin: germline.
Comment: The p.P101L variant (also known as c.302C>T), located in coding exon 2 of the HAX1 gene, results from a C to T substitution at nucleotide position 302. The proline at codon 101 is replaced by leucine, an amino acid with similar properties. This amino acid position is conserved. In addition, the in silico prediction for this alteration is inconclusive. Based on the available evidence, the clinical significance of this variant remains unclear.